The following is an entry in ClinVar:

ClinVar aggregate classification (germline): Uncertain significance (1 of 4 stars; one submission).

Conditions:
Arrhythmogenic cardiomyopathy with wooly hair and keratoderma. Also called: PALMOPLANTAR KERATODERMA WITH LEFT VENTRICULAR CARDIOMYOPATHY AND WOOLLY HAIR; Carvajal syndrome; Dilated cardiomyopathy with woolly hair and keratoderma; Arrhythmogenic cardiomyopathy with woolly hair and keratoderma. Identifiers: Orphanet 65282, MedGen C1854063, MONDO:0011581, OMIM 605676.
Arrhythmogenic right ventricular dysplasia 8 (ARVD8). Also called: Arrhythmogenic Right Ventricular Dysplasia/Cardiomyopathy 8; ARRHYTHMOGENIC RIGHT VENTRICULAR DYSPLASIA, FAMILIAL, 8; ARRHYTHMOGENIC RIGHT VENTRICULAR CARDIOMYOPATHY 8. Identifiers: MedGen C1843896, MONDO:0011831, OMIM 607450.

Submission:

Labcorp Genetics (formerly Invitae), Labcorp
Classification: Uncertain significance for Arrhythmogenic cardiomyopathy with wooly hair and keratoderma; Arrhythmogenic right ventricular dysplasia 8. Last evaluated: 2024-06-10. Review status: criteria provided, single submitter. Criteria: Invitae Variant Classification Sherloc (09022015). Collection method: clinical testing. Allele origin: germline.
Comment: This sequence change replaces lysine, which is basic and polar, with glutamine, which is neutral and polar, at codon 1850 of the DSP protein (p.Lys1850Gln). This variant is not present in population databases (gnomAD no frequency). This variant has not been reported in the literature in individuals affected with DSP-related conditions. An algorithm developed to predict the effect of missense changes on protein structure and function (PolyPhen-2) suggests that this variant is likely to be disruptive. In summary, the available evidence is currently insufficient to determine the role of this variant in disease. Therefore, it has been classified as a Variant of Uncertain Significance.

NM_004415.4(DSP):c.5548A>C (p.Lys1850Gln)

Gene: DSP (desmoplakin; plus strand). Cytogenetic location: 6p24.3.
Variant type: single nucleotide variant.
Coding change: c.5548A>C on transcript NM_004415.4 (MANE Select); coding-DNA position 5548, A replaced by C.
Protein change: p.Lys1850Gln; replaces lysine 1850 with glutamine.
Molecular consequence: missense variant.
Genome position (GRCh38, 1-based): chr6:7,582,810, A>C. VCF-style: chr6-7582810-A-C. GRCh37 (hg19) VCF-style: chr6-7583043-A-C.
Other names: c.3751A>C, p.Lys1251Gln (NM_001008844.3); c.4219A>C, p.Lys1407Gln (NM_001319034.2); short protein forms K1251Q, K1407Q, K1850Q.
Identifiers: ClinVar variation 2952188 (VCV002952188.3), dbSNP rs2533936358, ClinGen allele CA362688862.